The following is an entry in ClinVar:

NM_001318852.2(MAPK8IP3):c.47A>G (p.Gln16Arg)

Gene: MAPK8IP3 (mitogen-activated protein kinase 8 interacting protein 3; plus strand). Cytogenetic location: 16p13.3.
Variant type: single nucleotide variant.
Coding change: c.47A>G on transcript NM_001318852.2 (MANE Select); coding-DNA position 47, A replaced by G.
Protein change: p.Gln16Arg; replaces glutamine 16 with arginine.
Molecular consequence: missense variant.
Genome position (GRCh38, 1-based): chr16:1,706,386, A>G. VCF-style: chr16-1706386-A-G. GRCh37 (hg19) VCF-style: chr16-1756387-A-G.
Other names: c.47A>G, p.Gln16Arg (NM_001040439.2, NM_015133.5); short protein forms Q16R.
Identifiers: ClinVar variation 1310130 (VCV001310130.2), dbSNP rs2142247524, ClinGen allele CA394212381.

ClinVar aggregate classification (germline): Uncertain significance (1 of 4 stars; one submission).

Allele frequency attached by ClinVar (database versions not stated): gnomAD exomes below 0.00001.
gnomAD v4.1: 1 of 1,612,184 alleles (0.000062%); highest among the groups gnomAD compares: Non-Finnish European, 0.000085%; no homozygotes.

Submission:

GeneDx
Classification: Uncertain significance. Last evaluated: 2019-11-16. Review status: criteria provided, single submitter. Criteria: GeneDx Variant Classification Process June 2021. Collection method: clinical testing. Allele origin: germline. Affected: yes.
Comment: Not observed in large population cohorts (Lek et al., 2016); In silico analysis, which includes protein predictors and evolutionary conservation, supports that this variant does not alter protein structure/function; Has not been previously published as pathogenic or benign to our knowledge